The following is an entry in ClinVar:

ClinVar aggregate classification (germline): Uncertain significance (1 of 4 stars; one submission).

Conditions:
Hereditary pancreatitis (PCTT). Also called: Hereditary chronic pancreatitis; PRSS1-Related Hereditary Pancreatitis. Identifiers: Orphanet 676, MedGen C0238339, MONDO:0008185, OMIM 167800.

Submission:

Ambry Genetics
Classification: Uncertain significance for Hereditary pancreatitis. Last evaluated: 2025-05-25. Review status: criteria provided, single submitter. Criteria: Ambry Variant Classification Scheme 2023. Collection method: clinical testing. Allele origin: germline.
Comment: The p.S40A variant (also known as c.118T>G), located in coding exon 2 of the PRSS1 gene, results from a T to G substitution at nucleotide position 118. The serine at codon 40 is replaced by alanine, an amino acid with similar properties. This amino acid position is conserved. In addition, the in silico prediction for this alteration is inconclusive. Since supporting evidence is limited at this time, the clinical significance of this alteration remains unclear.

NM_002769.5(PRSS1):c.118T>G (p.Ser40Ala)

Genes: PRSS1 (serine protease 1; plus strand), TRB (T cell receptor beta locus; plus strand). Cytogenetic location: 7q34.
Variant type: single nucleotide variant.
Coding change: c.118T>G on transcript NM_002769.5 (MANE Select); coding-DNA position 118, T replaced by G.
Protein change: p.Ser40Ala; replaces serine 40 with alanine.
Molecular consequence: missense variant. On other transcripts: non-coding transcript variant (4).
Genome position (GRCh38, 1-based): chr7:142,750,632, T>G. VCF-style: chr7-142750632-T-G. GRCh37 (hg19) VCF-style: chr7-142458483-T-G.
Other names: short protein forms S40A.
Identifiers: ClinVar variation 1744634 (VCV001744634.3), dbSNP rs2485733235, ClinGen allele CA369607279.